The following is an entry in ClinVar:

ClinVar aggregate classification (germline): Uncertain significance (1 of 4 stars; one submission).

Conditions:
Deficiency of alpha-mannosidase (MANSA). Also called: Mannosidosis, alpha-, types I and II; Alpha-Mannosidosis; LYSOSOMAL ALPHA-D-MANNOSIDASE DEFICIENCY. Identifiers: Orphanet 61, MedGen C0024748, MONDO:0009561, OMIM 248500.

Allele frequency attached by ClinVar (database versions not stated): gnomAD 0.00003; TOPMed 0.00006.

Submission:

Labcorp Genetics (formerly Invitae), Labcorp
Classification: Uncertain significance for Deficiency of alpha-mannosidase. Last evaluated: 2022-08-13. Review status: criteria provided, single submitter. Criteria: Invitae Variant Classification Sherloc (09022015). Collection method: clinical testing. Allele origin: germline.
Comment: This sequence change replaces glycine, which is neutral and non-polar, with valine, which is neutral and non-polar, at codon 260 of the MAN2B1 protein (p.Gly260Val). This variant is present in population databases (no rsID available, gnomAD 0.003%). This variant has not been reported in the literature in individuals affected with MAN2B1-related conditions. Algorithms developed to predict the effect of missense changes on protein structure and function (SIFT, PolyPhen-2, Align-GVGD) all suggest that this variant is likely to be tolerated. Algorithms developed to predict the effect of sequence changes on RNA splicing suggest that this variant may create or strengthen a splice site. In summary, the available evidence is currently insufficient to determine the role of this variant in disease. Therefore, it has been classified as a Variant of Uncertain Significance.

NM_000528.4(MAN2B1):c.779G>T (p.Gly260Val)

Gene: MAN2B1 (mannosidase alpha class 2B member 1; minus strand). Cytogenetic location: 19p13.13.
Variant type: single nucleotide variant.
Coding change: c.779G>T on transcript NM_000528.4 (MANE Select); coding-DNA position 779, G replaced by T.
Protein change: p.Gly260Val; replaces glycine 260 with valine.
Molecular consequence: missense variant.
Genome position (GRCh38, 1-based): chr19:12,663,447, C>A on the plus strand (G>T on the coding strand, the complement: MAN2B1 is on the minus strand). VCF-style: chr19-12663447-C-A. GRCh37 (hg19) VCF-style: chr19-12774261-C-A.
Other names: c.779G>T, p.Gly260Val (NM_001173498.2); short protein forms G260V.
Identifiers: ClinVar variation 2084663 (VCV002084663.1), dbSNP rs976940825, ClinGen allele CA305477675.